The following is an entry in ClinVar:

ClinVar aggregate classification (germline): Benign/Likely benign. Review status: criteria provided, multiple submitters, no conflicts (2 of 4 stars). 3 submissions from 3 submitters: Benign (1); Likely benign (2). Last evaluated 2024-05-14.

Conditions:
Hereditary cancer-predisposing syndrome. Also called: Hereditary neoplastic syndrome; Neoplastic Syndromes, Hereditary; Tumor predisposition; Hereditary Cancer Syndrome. Identifiers: Orphanet 140162, MedGen C0027672, MeSH D009386, MONDO:0015356.
Familial cancer of breast. Also called: BREAST CANCER, FAMILIAL; Hereditary breast cancer; hereditary breast carcinoma. Identifiers: Orphanet 227535, MedGen C0346153, MONDO:0016419, OMIM 114480. Disease mechanism: loss of function.
Ataxia-telangiectasia syndrome (AT). Also called: LOUIS-BAR SYNDROME; Cerebello-oculocutaneous telangiectasia; Immunodeficiency with ataxia telangiectasia; AT, COMPLEMENTATION GROUP C; Ataxia-telangiectasia, complementation group D; ATAXIA-TELANGIECTASIA, COMPLEMENTATION GROUP A. Identifiers: Orphanet 100, MedGen C0004135, MONDO:0008840, OMIM 208900.

Allele frequency attached by ClinVar (database versions not stated): gnomAD exomes below 0.00001.
gnomAD v4.1: 2 of 1,614,050 alleles (0.00012%); highest among the groups gnomAD compares: Non-Finnish European, 0.00017%; no homozygotes.

Submissions (3):

Myriad Genetics, Inc.
Classification: Benign for Familial cancer of breast. Last evaluated: 2024-05-14. Review status: criteria provided, single submitter. Criteria: Myriad Autosomal Dominant, Autosomal Recessive and X-Linked Classification Criteria (2023). Collection method: clinical testing. Allele origin: unknown.
Comment: This variant is considered benign. This variant is a silent/synonymous amino acid change and it is not expected to impact splicing.

Labcorp Genetics (formerly Invitae), Labcorp
Classification: Likely benign for Ataxia-telangiectasia syndrome. Last evaluated: 2022-03-28. Review status: criteria provided, single submitter. Criteria: Invitae Variant Classification Sherloc (09022015). Collection method: clinical testing. Allele origin: germline.

Ambry Genetics
Classification: Likely benign for Hereditary cancer-predisposing syndrome. Last evaluated: 2016-07-22. Review status: criteria provided, single submitter. Criteria: Ambry Variant Classification Scheme 2023. Collection method: clinical testing. Allele origin: germline.

NM_000051.4(ATM):c.3507A>G (p.Glu1169=)

Gene: ATM (ATM serine/threonine kinase; plus strand). Cytogenetic location: 11q22.3.
Variant type: single nucleotide variant.
Coding change: c.3507A>G on transcript NM_000051.4 (MANE Select); coding-DNA position 3507, A replaced by G.
Protein change: p.Glu1169=; no amino-acid change (glutamic acid 1169 retained).
Molecular consequence: synonymous variant.
Genome position (GRCh38, 1-based): chr11:108,281,099, A>G. VCF-style: chr11-108281099-A-G. GRCh37 (hg19) VCF-style: chr11-108151826-A-G.
Other names: c.3507A>G, p.Glu1169= (NM_001351834.2).
Identifiers: ClinVar variation 485199 (VCV000485199.12), dbSNP rs1555091291, ClinGen allele CA476672909.